The following is an entry in ClinVar:

ClinVar aggregate classification (germline): Pathogenic (1 of 4 stars; one submission).

Conditions:
Hereditary cancer-predisposing syndrome. Also called: Tumor predisposition; Hereditary Cancer Syndrome; Neoplastic Syndromes, Hereditary; Hereditary neoplastic syndrome. Identifiers: Orphanet 140162, MedGen C0027672, MeSH D009386, MONDO:0015356.

Submission:

Ambry Genetics
Classification: Pathogenic for Hereditary cancer-predisposing syndrome. Last evaluated: 2019-06-25. Review status: criteria provided, single submitter. Criteria: Ambry Variant Classification Scheme 2023. Collection method: clinical testing. Allele origin: germline.
Comment: The c.2613delT pathogenic mutation, located in coding exon 4 of the MSH6 gene, results from a deletion of one nucleotide at nucleotide position 2613, causing a translational frameshift with a predicted alternate stop codon (p.I872*). This alteration is expected to result in loss of function by premature protein truncation or nonsense-mediated mRNA decay. As such, this alteration is interpreted as a disease-causing mutation.

NM_000179.3(MSH6):c.2613del (p.Ile871_Ile872insTer)

Gene: MSH6 (mutS homolog 6; plus strand). Cytogenetic location: 2p16.3.
Variant type: Deletion.
Coding change: c.2613del on transcript NM_000179.3 (MANE Select); coding-DNA position 2613, one base deleted (T; older notation c.2613delT).
Protein change: p.Ile871_Ile872insTer.
Molecular consequence: frameshift variant. On other transcripts: nonsense (33).
Genome position (GRCh38, 1-based): chr2:47,800,596, T deleted; the last of 2 consecutive T bases (chr2:47,800,595-47,800,596); deleting either gives the same sequence. VCF-style (leftmost placement, unchanged base first): chr2-47800594-AT-A. GRCh37 (hg19) VCF-style: chr2-48027733-AT-A.
Other names: c.2223del, p.Ile741_Ile742insTer (NM_001281492.2); c.1707del, p.Ile569_Ile570insTer (NM_001281493.2, NM_001281494.2); c.2709delT, p.Ile904Terfs (NM_001406795.1, NM_001406802.1); c.2613delT, p.Ile872Terfs (NM_001406796.1, NM_001406798.1, NM_001406800.1 and 2 more transcripts); c.2316delT, p.Ile773Terfs (NM_001406797.1, NM_001406801.1, NM_001406805.1 and 10 more transcripts); c.2088delT, p.Ile697Terfs (NM_001406799.1, NM_001406806.1, NM_001406807.1); c.2535delT, p.Ile846Terfs (NM_001406804.1); c.1707delT, p.Ile570Terfs (NM_001406811.1, NM_001406812.1, NM_001406814.1 and 4 more transcripts); and 2 more.
Identifiers: ClinVar variation 1793831 (VCV001793831.2), dbSNP rs2530683025, ClinGen allele CA2580067964.